The following is an entry in ClinVar:

ClinVar aggregate classification (germline): Uncertain significance (1 of 4 stars; one submission).

gnomAD v4.1: 8 of 1,614,090 alleles (0.0005%); highest among the groups gnomAD compares: Non-Finnish European, 0.00068%; no homozygotes.

Submission:

GeneDx
Classification: Uncertain significance. Last evaluated: 2017-10-12. Review status: criteria provided, single submitter. Criteria: GeneDx Variant Classification (06012015). Collection method: clinical testing. Allele origin: germline. Affected: yes.
Comment: The S2507C variant in the SETX gene has not been reported previously as a pathogenic variant, nor as a benign variant, to our knowledge. The S2507C variant is not observed in large population cohorts (Lek et al., 2016). The S2507C variant is a non-conservative amino acid substitution, which is likely to impact secondary protein structure as these residues differ in polarity, charge, size and/or other properties. This substitution occurs at a position that is not conserved. In silico analysis is inconsistent in its predictions as to whether or not the variant is damaging to the protein structure/function. We interpret S2507C as a variant of uncertain significance.

NM_015046.7(SETX):c.7520C>G (p.Ser2507Cys)

Gene: SETX (senataxin; minus strand). Cytogenetic location: 9q34.13.
Variant type: single nucleotide variant.
Coding change: c.7520C>G on transcript NM_015046.7 (MANE Select); coding-DNA position 7520, C replaced by G.
Protein change: p.Ser2507Cys; replaces serine 2507 with cysteine.
Molecular consequence: missense variant.
Genome position (GRCh38, 1-based): chr9:132,264,753, G>C on the plus strand (C>G on the coding strand, the complement: SETX is on the minus strand). VCF-style: chr9-132264753-G-C. GRCh37 (hg19) VCF-style: chr9-135140140-G-C.
Other names: c.7520C>G, p.Ser2507Cys (NM_001351527.2); c.7607C>G, p.Ser2536Cys (NM_001351528.2); short protein forms S2507C, S2536C.
Identifiers: ClinVar variation 452651 (VCV000452651.2), dbSNP rs1373360956, ClinGen allele CA375325026.
Genomic context (GRCh38, chr9:132,264,753, plus strand): 5'-GGGTCCTTTGAAGTAACAGTAAGAGTAATTTCCTTGGAGTCAGAGGGTGTGTGGTATAGA[G>C]AAGCAGCAACAGATGTCTTGGCAAATCCACTGTCTAGCTTGCTGCTGGGCAAACCACCCT-3'
Protein context (NP_055861.3, residues 2497-2517): SGFAKTSVAA[Ser2507Cys]LYHTPSDSKE